The following is an entry in ClinVar:

NM_000302.4(PLOD1):c.907C>G (p.Leu303Val)

Gene: PLOD1 (procollagen-lysine,2-oxoglutarate 5-dioxygenase 1; plus strand). Cytogenetic location: 1p36.22.
Variant type: single nucleotide variant.
Coding change: c.907C>G on transcript NM_000302.4 (MANE Select); coding-DNA position 907, C replaced by G.
Protein change: p.Leu303Val; replaces leucine 303 with valine.
Molecular consequence: missense variant.
Genome position (GRCh38, 1-based): chr1:11,958,579, C>G. VCF-style: chr1-11958579-C-G. GRCh37 (hg19) VCF-style: chr1-12018636-C-G.
Other names: p.Leu303Val; c.1048C>G, p.Leu350Val (NM_001316320.2); short protein forms L303V, L350V.
Identifiers: ClinVar variation 4542450 (VCV004542450.2).

ClinVar aggregate classification (germline): Uncertain significance. Review status: criteria provided, multiple submitters, no conflicts (2 of 4 stars). 2 submissions from 2 submitters: Uncertain significance (2). Last evaluated 2025-10-17.

Conditions:
Ehlers-Danlos syndrome, kyphoscoliotic type 1 (EDSKSCL1). Also called: Ehlers-Danlos syndrome, hydroxylysine-deficient; EHLERS-DANLOS SYNDROME, OCULAR-SCOLIOTIC TYPE; EHLERS-DANLOS SYNDROME, TYPE VIA; PLOD1-Related Kyphoscoliotic Ehlers-Danlos Syndrome. Identifiers: Orphanet 1900, MedGen C0268342, MONDO:0016002, OMIM 225400. Disease mechanism: loss of function.

gnomAD v4.1: 5 of 1,614,104 alleles (0.00031%); highest among the groups gnomAD compares: East Asian, 0.0022%; no homozygotes.

Submissions (2):

Labcorp Genetics (formerly Invitae), Labcorp
Classification: Uncertain significance for Ehlers-Danlos syndrome, kyphoscoliotic type 1. Last evaluated: 2025-10-17. Review status: criteria provided, single submitter. Criteria: Invitae Variant Classification Sherloc (09022015). Collection method: clinical testing. Allele origin: germline.
Comment: This sequence change replaces leucine, which is neutral and non-polar, with valine, which is neutral and non-polar, at codon 303 of the PLOD1 protein (p.Leu303Val). This variant is present in population databases (no rsID available, gnomAD 0.002%). This variant has not been reported in the literature in individuals affected with PLOD1-related conditions. Invitae Evidence Modeling of protein sequence and biophysical properties (such as structural, functional, and spatial information, amino acid conservation, physicochemical variation, residue mobility, and thermodynamic stability) indicates that this missense variant is not expected to disrupt PLOD1 protein function with a negative predictive value of 95%. In summary, the available evidence is currently insufficient to determine the role of this variant in disease. Therefore, it has been classified as a Variant of Uncertain Significance.

Mayo Clinic Laboratories, Mayo Clinic
Classification: Uncertain significance. Last evaluated: 2025-07-17. Review status: criteria provided, single submitter. Criteria: ACMG Guidelines, 2015. Collection method: clinical testing. Allele origin: germline. Observed: 1 variant allele.
Comment: BP4_moderate, PM2_supporting